The following is an entry in ClinVar:

ClinVar aggregate classification (germline): Uncertain significance (1 of 4 stars; one submission).

gnomAD v4.1: 1 of 1,551,872 alleles (0.000064%); highest among the groups gnomAD compares: Admixed American, 0.002%; no homozygotes.

Submission:

GeneDx
Classification: Uncertain significance. Last evaluated: 2025-02-13. Review status: criteria provided, single submitter. Criteria: GeneDx Variant Classification Process June 2021. Collection method: clinical testing. Allele origin: germline. Affected: yes.
Comment: Not observed at significant frequency in large population cohorts (gnomAD); In silico analysis indicates that this missense variant does not alter protein structure/function; Has not been previously published as pathogenic or benign to our knowledge

NM_001142966.3(GREB1L):c.3458C>T (p.Thr1153Ile)

Gene: GREB1L (GREB1 like retinoic acid receptor coactivator; plus strand). Cytogenetic location: 18q11.1.
Variant type: single nucleotide variant.
Coding change: c.3458C>T on transcript NM_001142966.3 (MANE Select); coding-DNA position 3458, C replaced by T.
Protein change: p.Thr1153Ile; replaces threonine 1153 with isoleucine.
Molecular consequence: missense variant.
Genome position (GRCh38, 1-based): chr18:21,499,795, C>T. VCF-style: chr18-21499795-C-T. GRCh37 (hg19) VCF-style: chr18-19079756-C-T.
Other names: c.3587C>T, p.Thr1196Ile (NM_001410867.1); c.3131C>T, p.Thr1044Ile (NM_001410868.1); short protein forms T1044I, T1153I, T1196I.
Identifiers: ClinVar variation 4075597 (VCV004075597.1).